The following is an entry in ClinVar:

ClinVar aggregate classification (germline): Likely benign. Review status: criteria provided, multiple submitters, no conflicts (2 of 4 stars). 3 submissions from 3 submitters: Likely benign (2). 1 of the submissions does not count toward it. Last evaluated 2025-12-08.

Conditions:
Autosomal recessive polycystic kidney disease (ARPKD). Also called: AR polycystic kidney disease. Identifiers: Orphanet 731, Orphanet 8378, MedGen C0085548, MeSH D017044, MONDO:0009889.
PKHD1-related disorder. Also called: PKHD1-related condition.

Allele frequency attached by ClinVar (database versions not stated): TOPMed 0.00006; ESP Exome Variant Server 0.00015.
gnomAD v4.1: 99 of 1,613,968 alleles (0.0061%); highest among the groups gnomAD compares: Non-Finnish European, 0.0074%; no homozygotes.

Submissions (3):

PreventionGenetics, part of Exact Sciences
Classification: Likely benign for PKHD1-related condition. Last evaluated: 2025-12-08. Review status: criteria provided, single submitter. Criteria: ACMG Guidelines, 2015. Collection method: clinical testing. Allele origin: germline.
Comment: This variant is classified as likely benign based on ACMG/AMP sequence variant interpretation guidelines (Richards et al. 2015 PMID: 25741868, with internal and published modifications).

Labcorp Genetics (formerly Invitae), Labcorp
Classification: Likely benign for Autosomal recessive polycystic kidney disease. Last evaluated: 2024-03-09. Review status: criteria provided, single submitter. Criteria: Invitae Variant Classification Sherloc (09022015). Collection method: clinical testing. Allele origin: germline.

Natera, Inc.
Classification: Uncertain significance for Autosomal recessive polycystic kidney disease. Last evaluated: 2019-07-15. Review status: no assertion criteria provided. Collection method: clinical testing. Allele origin: germline. Not counted in ClinVar's aggregate classification.

NM_138694.4(PKHD1):c.5133C>G (p.Ala1711=)

Genes: PKHD1 (PKHD1 ciliary IPT domain containing fibrocystin/polyductin; minus strand), LOC126859690 (MED14-independent group 3 enhancer GRCh37_chr6:51888848-51890047; plus strand). Cytogenetic location: 6p12.2.
Variant type: single nucleotide variant.
Coding change: c.5133C>G on transcript NM_138694.4 (MANE Select); coding-DNA position 5133, C replaced by G.
Protein change: p.Ala1711=; no amino-acid change (alanine 1711 retained).
Molecular consequence: synonymous variant.
Genome position (GRCh38, 1-based): chr6:52,024,677, G>C on the plus strand (C>G on the coding strand, the complement: PKHD1 is on the minus strand). VCF-style: chr6-52024677-G-C. GRCh37 (hg19) VCF-style: chr6-51889475-G-C.
Other names: c.5133C>G, p.Ala1711= (NM_170724.3).
Identifiers: ClinVar variation 696394 (VCV000696394.13), dbSNP rs144841026, ClinGen allele CA3852604.